The following is an entry in ClinVar:

NM_000090.4(COL3A1):c.2389C>T (p.Pro797Ser)

Genes: COL3A1 (collagen type III alpha 1 chain; plus strand), LOC126806446 (P300/CBP strongly-dependent group 1 enhancer GRCh37_chr2:189866210-189867409; plus strand). Cytogenetic location: 2q32.2.
Variant type: single nucleotide variant.
Coding change: c.2389C>T on transcript NM_000090.4 (MANE Select); coding-DNA position 2389, C replaced by T.
Protein change: p.Pro797Ser; replaces proline 797 with serine.
Molecular consequence: missense variant.
Genome position (GRCh38, 1-based): chr2:189,001,587, C>T. VCF-style: chr2-189001587-C-T. GRCh37 (hg19) VCF-style: chr2-189866313-C-T.
Other names: short protein forms P797S.
Identifiers: ClinVar variation 2185925 (VCV002185925.4), dbSNP rs2469148153, ClinGen allele CA349842558.

ClinVar aggregate classification (germline): Uncertain significance (1 of 4 stars; one submission).

Conditions:
Ehlers-Danlos syndrome, type 4 (EDSVASC). Also called: Ehlers-Danlos syndrome vascular type; Ehlers Danlos syndrome, ecchymotic type; Ehlers Danlos syndrome, arterial type; Ehlers Danlos syndrome, Sack-Barabas type; Ehlers-Danlos Syndrome Type IV. Identifiers: Orphanet 286, MedGen C0268338, MONDO:0017314, OMIM 130050.

Submission:

Labcorp Genetics (formerly Invitae), Labcorp
Classification: Uncertain significance for Ehlers-Danlos syndrome, type 4. Last evaluated: 2022-07-17. Review status: criteria provided, single submitter. Criteria: Invitae Variant Classification Sherloc (09022015). Collection method: clinical testing. Allele origin: germline.
Comment: In summary, the available evidence is currently insufficient to determine the role of this variant in disease. Therefore, it has been classified as a Variant of Uncertain Significance. Algorithms developed to predict the effect of missense changes on protein structure and function output the following: SIFT: "Deleterious"; PolyPhen-2: "Not Available"; Align-GVGD: "Class C65". The serine amino acid residue is found in multiple mammalian species, which suggests that this missense change does not adversely affect protein function. This variant has not been reported in the literature in individuals affected with COL3A1-related conditions. This variant is not present in population databases (gnomAD no frequency). This sequence change replaces proline, which is neutral and non-polar, with serine, which is neutral and polar, at codon 797 of the COL3A1 protein (p.Pro797Ser).